The following is an entry in ClinVar:

ClinVar aggregate classification (germline): Uncertain significance (1 of 4 stars; one submission).

Submission:

Laboratory for Molecular Medicine, Mass General Brigham Personalized Medicine
Classification: Uncertain significance. Last evaluated: 2018-03-06. Review status: criteria provided, single submitter. Criteria: LMM Criteria. Collection method: clinical testing. Allele origin: germline.
Comment: Disclaimer: This variant has not undergone full assessment. The following are preliminary notes: not in Gnomad with coverage; not in ClinVar or HGMD or google search, conflicting in silico predictions, conserved.

NM_004333.6(BRAF):c.1488A>C (p.Gln496His)

Gene: BRAF (B-Raf proto-oncogene, serine/threonine kinase; minus strand). Cytogenetic location: 7q34.
Variant type: single nucleotide variant.
Coding change: c.1488A>C on transcript NM_004333.6 (MANE Select); coding-DNA position 1488, A replaced by C.
Protein change: p.Gln496His; replaces glutamine 496 with histidine.
Molecular consequence: missense variant.
Genome position (GRCh38, 1-based): chr7:140,778,020, T>G on the plus strand (A>C on the coding strand, the complement: BRAF is on the minus strand). VCF-style: chr7-140778020-T-G. GRCh37 (hg19) VCF-style: chr7-140477820-T-G.
Other names: c.1488A>C, p.Gln496His (NM_001354609.2, NM_001378468.1, NM_001378474.1); c.1608A>C, p.Gln536His (NM_001374244.1, NM_001374258.1); c.1497A>C, p.Gln499His (NM_001378467.1); c.1422A>C, p.Gln474His (NM_001378469.1); c.1386A>C, p.Gln462His (NM_001378470.1); c.1377A>C, p.Gln459His (NM_001378471.1); c.1332A>C, p.Gln444His (NM_001378472.1, NM_001378473.1); c.1224A>C, p.Gln408His (NM_001378475.1); short protein forms Q496H, Q444H, Q459H, Q474H, Q499H, Q408H, Q462H, Q536H.
Identifiers: ClinVar variation 503530 (VCV000503530.4), dbSNP rs1554399258, ClinGen allele CA369588409.
Genomic context (GRCh38, chr7:140,778,020, plus strand): 5'-CTCTGGAAAAGAGTAATTCACACAAGCTCACCTGAGTACTCCTACTTCATTTTTGAAGGC[T>G]TGTAACTGCTGAGGTGTAGGTGCTGTCACATTCAACATTTTCACTGCCACATCACCTAAA-3'
Protein context (NP_004324.2, residues 486-506): NVTAPTPQQL[Gln496His]AFKNEVGVLR